The following is an entry in ClinVar:

NM_001278716.2(FBXL4):c.-73+1G>T

Gene: FBXL4 (F-box and leucine rich repeat protein 4; minus strand). Cytogenetic location: 6q16.2.
Variant type: single nucleotide variant.
Coding change: c.-73+1G>T on transcript NM_001278716.2 (MANE Select); the canonical splice donor site of the intron after 73 bases upstream of the start codon, G replaced by T.
Molecular consequence: splice donor variant.
Genome position (GRCh38, 1-based): chr6:98,927,704, C>A on the plus strand (G>T on the coding strand, the complement: FBXL4 is on the minus strand). VCF-style: chr6-98927704-C-A. GRCh37 (hg19) VCF-style: chr6-99375580-C-A.
Other names: NC_000006.11:g.99375580C>A; c.-73+1G>T (NM_012160.5).
Identifiers: ClinVar variation 3896350 (VCV003896350.3).

ClinVar aggregate classification (germline): Uncertain significance (1 of 4 stars; one submission).

Submissions (2):

Women's Health and Genetics/Laboratory Corporation of America, LabCorp
Classification: Uncertain significance. Last evaluated: 2025-04-10. Review status: criteria provided, single submitter. Criteria: LabCorp Variant Classification Summary - May 2015. Collection method: clinical testing. Allele origin: germline.
Comment: Variant summary: FBXL4 c.-73+1G>T is located in the untranslated mRNA region upstream of the initiation codon. Several computational tools predict a significant impact on normal splicing: Four predict the variant abolishes a 5' splicing donor site. However, these predictions have yet to be confirmed by functional studies. The FBXL4 canonical start codon is located in exon 3, downstream of the variant. The variant was absent in 31406 control chromosomes. To our knowledge, no occurrence of c.-73+1G>T in individuals affected with Leigh Syndrome and no experimental evidence demonstrating its impact on protein function have been reported. No submitters have cited clinical-significance assessments for this variant to ClinVar. Based on the evidence outlined above, the variant was classified as uncertain significance.

Dr. Peter K. Rogan Lab, Western University
No classification provided (evidence only). Condition: Chronic lymphocytic leukemia/small lymphocytic lymphoma. Review status: no classification provided. Collection method: in vitro. Allele origin: not applicable. Functional consequence: skipped exon, retained intron. Not counted in ClinVar's aggregate classification.